The following is an entry in ClinVar:

NM_001042492.3(NF1):c.5854T>A (p.Trp1952Arg)

Gene: NF1 (neurofibromin 1; plus strand). Cytogenetic location: 17q11.2.
Variant type: single nucleotide variant.
Coding change: c.5854T>A on transcript NM_001042492.3 (MANE Select); coding-DNA position 5854, T replaced by A.
Protein change: p.Trp1952Arg; replaces tryptophan 1952 with arginine.
Molecular consequence: missense variant.
Genome position (GRCh38, 1-based): chr17:31,334,879, T>A. VCF-style: chr17-31334879-T-A. GRCh37 (hg19) VCF-style: chr17-29661897-T-A.
Other names: c.5791T>A, p.Trp1931Arg (NM_000267.4); short protein forms W1931R, W1952R.
Identifiers: ClinVar variation 1072274 (VCV001072274.5), dbSNP rs199474791, ClinGen allele CA399010644.
Genomic context (GRCh38, chr17:31,334,879, plus strand): 5'-ATAGTGTATTTTTTTCCAGGTATTGAATTGAAACACCTTTGTTTGGAATACATGACTCCA[T>A]GGCTGTCAAATCTAGTTCGTTTTTGCAAGCATAATGATGATGCCAAACGACAAAGAGTTA-3'
Protein context (NP_001035957.1, residues 1942-1962): KHLCLEYMTP[Trp1952Arg]LSNLVRFCKH

ClinVar aggregate classification (germline): Pathogenic (1 of 4 stars; one submission).

Conditions:
Neurofibromatosis, type 1 (NF1). Also called: VON RECKLINGHAUSEN DISEASE; Peripheral type neurofibromatosis; NEUROFIBROMATOSIS, TYPE I, SOMATIC; Neurofibromatosis, type I. Identifiers: Orphanet 636, MedGen C0027831, MONDO:0018975, OMIM 162200. Disease mechanism: loss of function.

Submission:

Labcorp Genetics (formerly Invitae), Labcorp
Classification: Pathogenic for Neurofibromatosis, type 1. Last evaluated: 2020-10-06. Review status: criteria provided, single submitter. Criteria: Invitae Variant Classification Sherloc (09022015). Collection method: clinical testing. Allele origin: germline.
Comment: A different variant (c.5791T>C) giving rise to the same protein effect observed here (p.Trp1931Arg) has been determined to be pathogenic (PMID: 9101300, 17311297, 16944272, 23244495, 29914388). This suggests that this variant is also likely to be causative of disease. For these reasons, this variant has been classified as Pathogenic. Advanced modeling of protein sequence and biophysical properties (such as structural, functional, and spatial information, amino acid conservation, physicochemical variation, residue mobility, and thermodynamic stability) performed at Invitae indicates that this missense variant is expected to disrupt NF1 protein function. This variant has been observed in individual(s) with neurofibromatosis type 1 (PMID: 27838393). This variant is not present in population databases (ExAC no frequency). This sequence change replaces tryptophan with arginine at codon 1931 of the NF1 protein (p.Trp1931Arg). The tryptophan residue is moderately conserved and there is a moderate physicochemical difference between tryptophan and arginine.

Literature cited by the submitters: PubMed 9101300; PubMed 17311297; PubMed 16944272; PubMed 23244495; PubMed 29914388; PubMed 27838393.